The following is an entry in ClinVar:

ClinVar aggregate classification (germline): Uncertain significance (1 of 4 stars; one submission).

Submission:

Labcorp Genetics (formerly Invitae), Labcorp
Classification: Uncertain significance. Last evaluated: 2025-05-19. Review status: criteria provided, single submitter. Criteria: Invitae Variant Classification Sherloc (09022015). Collection method: clinical testing. Allele origin: germline.
Comment: This sequence change replaces proline, which is neutral and non-polar, with leucine, which is neutral and non-polar, at codon 57 of the KIF23 protein (p.Pro57Leu). This variant is not present in population databases (gnomAD no frequency). This variant has not been reported in the literature in individuals affected with KIF23-related conditions. An algorithm developed to predict the effect of missense changes on protein structure and function (PolyPhen-2) suggests that this variant is likely to be disruptive. In summary, the available evidence is currently insufficient to determine the role of this variant in disease. Therefore, it has been classified as a Variant of Uncertain Significance.

NM_001367805.3(KIF23):c.170C>T (p.Pro57Leu)

Gene: KIF23 (kinesin family member 23; plus strand). Cytogenetic location: 15q23.
Variant type: single nucleotide variant.
Coding change: c.170C>T on transcript NM_001367805.3 (MANE Select); coding-DNA position 170, C replaced by T.
Protein change: p.Pro57Leu; replaces proline 57 with leucine.
Molecular consequence: missense variant. On other transcripts: 5 prime UTR variant (1), non-coding transcript variant (2).
Genome position (GRCh38, 1-based): chr15:69,417,471, C>T. VCF-style: chr15-69417471-C-T. GRCh37 (hg19) VCF-style: chr15-69709810-C-T.
Other names: c.-24C>T (NM_001281301.2); c.170C>T, p.Pro57Leu (NM_001367804.2, NM_004856.7, NM_138555.4); short protein forms P57L.
Identifiers: ClinVar variation 4760711 (VCV004760711.1).